The following is an entry in ClinVar:

ClinVar aggregate classification (germline): Uncertain significance (1 of 4 stars; one submission).

Conditions:
Hereditary cancer-predisposing syndrome. Also called: Neoplastic Syndromes, Hereditary; Tumor predisposition; Hereditary Cancer Syndrome; Hereditary neoplastic syndrome. Identifiers: Orphanet 140162, MedGen C0027672, MeSH D009386, MONDO:0015356.

Submission:

Ambry Genetics
Classification: Uncertain significance for Hereditary cancer-predisposing syndrome. Last evaluated: 2026-02-25. Review status: criteria provided, single submitter. Criteria: Ambry Variant Classification Scheme 2023. Collection method: clinical testing. Allele origin: germline.
Comment: The p.V7A variant (also known as c.20T>C), located in coding exon 1 of the TSC1 gene, results from a T to C substitution at nucleotide position 20. The valine at codon 7 is replaced by alanine, an amino acid with similar properties. This amino acid position is conserved. In addition, this alteration is predicted to be tolerated by in silico analysis. Based on the available evidence, the clinical significance of this variant remains unclear.

NM_000368.5(TSC1):c.20T>C (p.Val7Ala)

Gene: TSC1 (TSC complex subunit 1; minus strand). Cytogenetic location: 9q34.13.
Variant type: single nucleotide variant.
Coding change: c.20T>C on transcript NM_000368.5 (MANE Select); coding-DNA position 20, T replaced by C.
Protein change: p.Val7Ala; replaces valine 7 with alanine.
Molecular consequence: missense variant. On other transcripts: 5 prime UTR variant (16), non-coding transcript variant (5), intron variant (2).
Genome position (GRCh38, 1-based): chr9:132,928,853, A>G on the plus strand (T>C on the coding strand, the complement: TSC1 is on the minus strand). VCF-style: chr9-132928853-A-G. GRCh37 (hg19) VCF-style: chr9-135804240-A-G.
Other names: c.20T>C, p.Val7Ala (NM_001162426.2, NM_001162427.2, NM_001406592.1 and 21 more transcripts); c.-240T>C (NM_001362177.2, NM_001406617.1, NM_001406619.1 and 3 more transcripts); c.-332T>C (NM_001406614.1); c.-469T>C (NM_001406615.1, NM_001406623.1); c.-436T>C (NM_001406616.1, NM_001406624.1); c.-858T>C (NM_001406626.1, NM_001406627.1, NM_001406628.1); c.-1000T>C (NM_001406629.1); c.-1074T>C (NM_001406630.1); and 1 more; short protein forms V7A.
Identifiers: ClinVar variation 4825799 (VCV004825799.1).